The following is an entry in ClinVar:

ClinVar aggregate classification (germline): Uncertain significance. Review status: criteria provided, multiple submitters, no conflicts (2 of 4 stars). 4 submissions from 4 submitters: Uncertain significance (4). Last evaluated 2025-04-25.

Conditions:
Inborn genetic diseases. Identifiers: MedGen C0950123, MeSH D030342.
Microcephaly 5, primary, autosomal recessive (MCPH5). Also called: ASPM Primary Microcephaly. Identifiers: Orphanet 2512, MedGen C1837501, MONDO:0012106, OMIM 608716.

Allele frequency attached by ClinVar (database versions not stated): ExAC 0.00001; gnomAD exomes 0.00001; gnomAD 0.00002; TOPMed 0.00002; ESP Exome Variant Server 0.00008.
gnomAD v4.1: 13 of 1,612,616 alleles (0.00081%); highest among the groups gnomAD compares: Non-Finnish European, 0.0011%; no homozygotes.

Submissions (4):

Ambry Genetics
Classification: Uncertain significance for Inborn genetic diseases. Last evaluated: 2025-04-25. Review status: criteria provided, single submitter. Criteria: Ambry Variant Classification Scheme 2023. Collection method: clinical testing. Allele origin: germline.
Comment: The c.6835A>G (p.R2279G) alteration is located in exon 18 (coding exon 18) of the ASPM gene. This alteration results from a A to G substitution at nucleotide position 6835, causing the arginine (R) at amino acid position 2279 to be replaced by a glycine (G). Based on data from gnomAD, the G allele has an overall frequency of 0.001% (3/281044) total alleles studied. The highest observed frequency was 0.002% (3/128078) of European (non-Finnish) alleles. This amino acid position is well conserved in available vertebrate species. The in silico prediction for this alteration is inconclusive. Based on insufficient or conflicting evidence, the clinical significance of this alteration remains unclear.

Genome-Nilou Lab
Classification: Uncertain significance for Microcephaly 5, primary, autosomal recessive. Last evaluated: 2023-04-11. Review status: criteria provided, single submitter. Criteria: ACMG Guidelines, 2015. Collection method: clinical testing. Allele origin: germline. Affected: no.

Labcorp Genetics (formerly Invitae), Labcorp
Classification: Uncertain significance. Last evaluated: 2021-05-16. Review status: criteria provided, single submitter. Criteria: Invitae Variant Classification Sherloc (09022015). Collection method: clinical testing. Allele origin: germline.
Comment: This sequence change replaces arginine with glycine at codon 2279 of the ASPM protein (p.Arg2279Gly). The arginine residue is highly conserved and there is a moderate physicochemical difference between arginine and glycine. This variant is present in population databases (rs373818179, ExAC 0.002%). This variant has not been reported in the literature in individuals with ASPM-related conditions. Algorithms developed to predict the effect of missense changes on protein structure and function are either unavailable or do not agree on the potential impact of this missense change (SIFT: "Deleterious"; PolyPhen-2: "Probably Damaging"; Align-GVGD: "Class C15"). In summary, the available evidence is currently insufficient to determine the role of this variant in disease. Therefore, it has been classified as a Variant of Uncertain Significance.

GeneDx
Classification: Uncertain significance. Last evaluated: 2020-10-15. Review status: criteria provided, single submitter. Criteria: GeneDx Variant Classification Process June 2021. Collection method: clinical testing. Allele origin: germline. Affected: yes.
Comment: In silico analysis supports that this missense variant has a deleterious effect on protein structure/function; Missense variant in a gene in which most reported pathogenic variants are truncating/loss-of-function; Has not been previously published as pathogenic or benign to our knowledge

NM_018136.5(ASPM):c.6835A>G (p.Arg2279Gly)

Gene: ASPM (assembly factor for spindle microtubules; minus strand). Cytogenetic location: 1q31.3.
Variant type: single nucleotide variant.
Coding change: c.6835A>G on transcript NM_018136.5 (MANE Select); coding-DNA position 6835, A replaced by G.
Protein change: p.Arg2279Gly; replaces arginine 2279 with glycine.
Molecular consequence: missense variant. On other transcripts: intron variant (1).
Genome position (GRCh38, 1-based): chr1:197,102,416, T>C on the plus strand (A>G on the coding strand, the complement: ASPM is on the minus strand). VCF-style: chr1-197102416-T-C. GRCh37 (hg19) VCF-style: chr1-197071546-T-C.
Other names: c.4066-6252A>G (NM_001206846.2); short protein forms R2279G.
Identifiers: ClinVar variation 1313335 (VCV001313335.12), dbSNP rs373818179, ClinGen allele CA1309509.